The following is an entry in ClinVar:

NM_001042492.3(NF1):c.8048G>A (p.Gly2683Glu)

Gene: NF1 (neurofibromin 1; plus strand). Cytogenetic location: 17q11.2.
Variant type: single nucleotide variant.
Coding change: c.8048G>A on transcript NM_001042492.3 (MANE Select); coding-DNA position 8048, G replaced by A.
Protein change: p.Gly2683Glu; replaces glycine 2683 with glutamic acid.
Molecular consequence: missense variant.
Genome position (GRCh38, 1-based): chr17:31,358,557, G>A. VCF-style: chr17-31358557-G-A. GRCh37 (hg19) VCF-style: chr17-29685575-G-A.
Other names: c.7985G>A, p.Gly2662Glu (NM_000267.4); short protein forms G2683E, G2662E.
Identifiers: ClinVar variation 864478 (VCV000864478.6), dbSNP rs2070327151, ClinGen allele CA399203766.

ClinVar aggregate classification (germline): Uncertain significance (1 of 4 stars; one submission).

Conditions:
Neurofibromatosis, type 1 (NF1). Also called: Neurofibromatosis, type I; VON RECKLINGHAUSEN DISEASE; Peripheral type neurofibromatosis; NEUROFIBROMATOSIS, TYPE I, SOMATIC. Identifiers: Orphanet 636, MedGen C0027831, MONDO:0018975, OMIM 162200. Disease mechanism: loss of function.

Allele frequency attached by ClinVar (database versions not stated): gnomAD exomes below 0.00001.
gnomAD v4.1: 1 of 1,613,752 alleles (0.000062%); highest among the groups gnomAD compares: East Asian, 0.0022%; no homozygotes.

Submission:

Labcorp Genetics (formerly Invitae), Labcorp
Classification: Uncertain significance for Neurofibromatosis, type 1. Last evaluated: 2019-12-15. Review status: criteria provided, single submitter. Criteria: Invitae Variant Classification Sherloc (09022015). Collection method: clinical testing. Allele origin: germline.
Comment: In summary, the available evidence is currently insufficient to determine the role of this variant in disease. Therefore, it has been classified as a Variant of Uncertain Significance. Algorithms developed to predict the effect of missense changes on protein structure and function are either unavailable or do not agree on the potential impact of this missense change (SIFT: "Tolerated"; PolyPhen-2: "Probably Damaging"; Align-GVGD: "Class C0"). This variant has not been reported in the literature in individuals with NF1-related conditions. This variant is not present in population databases (ExAC no frequency). This sequence change replaces glycine with glutamic acid at codon 2662 of the NF1 protein (p.Gly2662Glu). The glycine residue is moderately conserved and there is a moderate physicochemical difference between glycine and glutamic acid.